The following is an entry in ClinVar:

ClinVar aggregate classification (germline): Conflicting classifications of pathogenicity. Review status: criteria provided, conflicting classifications (1 of 4 stars). 2 submissions from 2 submitters: Uncertain significance (1); Likely benign (1). Last evaluated 2025-04-18.

Conditions:
ZNF469-related disorder. Also called: ZNF469-related condition.
Cardiovascular phenotype. Identifiers: MedGen CN230736.

Allele frequency attached by ClinVar (database versions not stated): TOPMed 0.00017; 1000 Genomes Project 0.00020; 1000 Genomes Project 30x 0.00031.
gnomAD v4.1: 34 of 1,503,336 alleles (0.0023%); highest among the groups gnomAD compares: African/African-American, 0.033%; no homozygotes.

Submissions (2):

PreventionGenetics, part of Exact Sciences
Classification: Uncertain significance for ZNF469-related condition. Last evaluated: 2025-04-18. Review status: criteria provided, single submitter. Criteria: ACMG Guidelines, 2015. Collection method: clinical testing. Allele origin: germline.
Comment: The ZNF469 c.9347C>T variant is predicted to result in the amino acid substitution p.Thr3116Ile. To our knowledge, this variant has not been reported in the literature. This variant is reported in 0.047% of alleles in individuals of African descent in gnomAD. At this time, the clinical significance of this variant is uncertain due to the absence of conclusive functional and genetic evidence.

Ambry Genetics
Classification: Likely benign for Cardiovascular phenotype. Last evaluated: 2023-08-02. Review status: criteria provided, single submitter. Criteria: Ambry Variant Classification Scheme 2023. Collection method: clinical testing. Allele origin: germline.

NM_001367624.2(ZNF469):c.9431C>T (p.Thr3144Ile)

Gene: ZNF469 (zinc finger protein 469; plus strand). Cytogenetic location: 16q24.2.
Variant type: single nucleotide variant.
Coding change: c.9431C>T on transcript NM_001367624.2 (MANE Select); coding-DNA position 9431, C replaced by T.
Protein change: p.Thr3144Ile; replaces threonine 3144 with isoleucine.
Molecular consequence: missense variant.
Genome position (GRCh38, 1-based): chr16:88,436,901, C>T. VCF-style: chr16-88436901-C-T. GRCh37 (hg19) VCF-style: chr16-88503309-C-T.
Other names: NM_001127464.1:c.9347C>T; NM_001127464.2:c.9347C>T; short protein forms T3144I.
Identifiers: ClinVar variation 1766644 (VCV001766644.3), dbSNP rs559258806, ClinGen allele CA286385399.